The following is an entry in ClinVar:

NR_003051.3(RMRP):n.-24_-1dup

Gene: RMRP (RNA component of mitochondrial RNA processing endoribonuclease; minus strand). Cytogenetic location: 9p13.3.
Variant type: Duplication.
Genome position: GRCh38 VCF-style: chr9-35658018-C-CACGTCCTCAGCTTCACAGAGTAGT. GRCh37 (hg19) VCF-style: chr9-35658015-C-CACGTCCTCAGCTTCACAGAGTAGT.
Identifiers: ClinVar variation 1385427 (VCV001385427.10), dbSNP rs1823632816, ClinGen allele CA1846127675.
Genomic context (GRCh38, chr9:35,658,018, plus strand): 5'-GGAAAGGGGAGGAACAGAGTCCTCAGTGTGTAGCCTAGGATACAGGCCTTCAGCACGAAC[C>CACGTCCTCAGCTTCACAGAGTAGT]ACGTCCTCAGCTTCACAGAGTAGTATTTTATAGCCCTAAAGAAATTGTGTTTTATGATTA-3'

ClinVar aggregate classification (germline): Pathogenic/Likely pathogenic. Review status: criteria provided, multiple submitters, no conflicts (2 of 4 stars). 4 submissions from 4 submitters: Pathogenic (1); Likely pathogenic (3). Last evaluated 2026-07-23.

Conditions:
Anauxetic dysplasia 1 (ANXD1). Also called: Anauxetic Dysplasia (AD). Identifiers: Orphanet 93347, MedGen C4551965, MONDO:0054560, OMIM 607095.
Metaphyseal chondrodysplasia, McKusick type (CHH). Also called: Cartilage-Hair Hypoplasia (CHH); Cartilage-hair hypoplasia. Identifiers: Orphanet 175, MedGen C0220748, MONDO:0009595, OMIM 250250.
Anauxetic dysplasia. Identifiers: Orphanet 93347, MedGen C1846796, MONDO:0011773.

Submissions (4):

3billion
Classification: Likely pathogenic for Anauxetic dysplasia 1. Last evaluated: 2026-07-23. Review status: criteria provided, single submitter. Criteria: ACMG Guidelines, 2015. Collection method: clinical testing. Allele origin: germline. Inheritance: Autosomal recessive inheritance. Affected: yes.
Comment: The variant is observed at an extremely low frequency in the gnomAD v4.1.0 dataset (total allele frequency: <0.001%). Predicted Consequence/Location: Non coding variant. Due to its close proximity to the NR_003051.3:n.128G>A, sequencing data was able to establish that the variant is in trans with the other. The variant has been reported to be in trans (confirmed or potential) with an additional pathogenic variant or VUS in at least one similarly affected unrelated individual (3billion dataset). The variant has been reported at least twice as pathogenic with clinical assertions and evidence for the classification (ClinVar ID: VCV001385427.9). Therefore, this variant is classified as Likely pathogenic (PM2_P, PM3_M, PP5_S) according to the recommendation of ACMG/AMP guideline.

Labcorp Genetics (formerly Invitae), Labcorp
Classification: Pathogenic for Anauxetic dysplasia. Last evaluated: 2025-12-09. Review status: criteria provided, single submitter. Criteria: Invitae Variant Classification Sherloc (09022015). Collection method: clinical testing. Allele origin: germline.
Comment: This variant occurs in the RMRP gene, which encodes an RNA molecule that does not result in a protein product. This variant is not present in population databases (gnomAD no frequency). While this particular variant has not been reported in the literature, it is located in the promoter region between the TATA box and the transcription initiation site, and other insertions and duplications immediately upstream of the coding sequence have been reported in individuals affected with cartilage-hair hypoplasia-anauxetic dysplasia (CHH-AD) spectrum disorders (PMID: 16244706, 11207361, 12107819). ClinVar contains an entry for this variant (Variation ID: 1385427). While functional studies for this variant have not been reported, experimental analyses using patient derived cells, as well as in vitro transfection studies, have shown that promoter insertions result in silencing of RMRP transcription and reduced expression of the gene product (PMID: 11207361, 16254002). For these reasons, this variant has been classified as Pathogenic.

Natera, Inc.
Classification: Likely pathogenic for Cartilage-hair hypoplasia. Last evaluated: 2025-05-01. Review status: criteria provided, single submitter. Criteria: Natera Variant Classification Schema (03/2026). Collection method: clinical testing. Allele origin: germline.
Comment: The n.-24_-1dup variant in RMRP is a duplication affecting the RMRP promoter region between the TATA box and the transcription initiation site. Other duplications and insertions just upstream of the transcription initiation site have been reported in individuals affected with cartilage-hair hypoplasia (PMID: 11207361, 17937437). This variant is rare in the general population with a frequency below the threshold expected for the associated phenotype(s). Given the available evidence, this variant is classified as Likely pathogenic.

Women's Health and Genetics/Laboratory Corporation of America, LabCorp
Classification: Likely pathogenic for Metaphyseal chondrodysplasia, McKusick type. Last evaluated: 2024-06-06. Review status: criteria provided, single submitter. Criteria: LabCorp Variant Classification Summary - May 2015. Collection method: clinical testing. Allele origin: germline.
Comment: Variant summary: RMRP n.-24_-1dup24 is located in the promoter region of the RMRP gene which is located between the TATA box (at position -33 to -25) and the transcription initiation site (at +1). Other insertions or duplications in the promoter region of RMRP have been classified as pathogenic (internally and in ClinVar). The variant was absent in 127922 control chromosomes. To our knowledge, no occurrence of n.-24_-1dup24 in individuals affected with Cartilage-Hair Hypoplasia and no experimental evidence demonstrating its impact on protein function have been reported. Many other insertions or duplications in the promoter region of RMRP have been reported in affected individuals in the literature (e.g. PMIDs: 21956908, 21396580) and have been demonstrated through functional studies to lead to reduced RMRP transcription (e.g. PMIDs: 11207361, 16254002). ClinVar contains an entry for this variant (Variation ID: 1385427). Based on the evidence outlined above, the variant was classified as likely pathogenic.

Literature cited by the submitters: PubMed 16244706 (cited by Labcorp Genetics (formerly Invitae), Labcorp); PubMed 11207361 (cited by Labcorp Genetics (formerly Invitae), Labcorp and Natera, Inc.); PubMed 12107819 (cited by Labcorp Genetics (formerly Invitae), Labcorp); PubMed 16254002 (cited by Labcorp Genetics (formerly Invitae), Labcorp); PubMed 17937437 (cited by Natera, Inc.).